The following is an entry in ClinVar:

NM_015602.4(TOR1AIP1):c.676G>C (p.Asp226His)

Gene: TOR1AIP1 (torsin 1A interacting protein 1; plus strand). Cytogenetic location: 1q25.2.
Variant type: single nucleotide variant.
Coding change: c.676G>C on transcript NM_015602.4 (MANE Select); coding-DNA position 676, G replaced by C.
Protein change: p.Asp226His; replaces aspartic acid 226 with histidine.
Molecular consequence: missense variant.
Genome position (GRCh38, 1-based): chr1:179,901,325, G>C. VCF-style: chr1-179901325-G-C. GRCh37 (hg19) VCF-style: chr1-179870460-G-C.
Other names: c.679G>C, p.Asp227His (NM_001267578.2); short protein forms D227H, D226H.
Identifiers: ClinVar variation 1493367 (VCV001493367.6), dbSNP rs2148477008, ClinGen allele CA343566241.
Genomic context (GRCh38, chr1:179,901,325, plus strand): 5'-AATAGACTATATTAGTATATTGTTTACTTCTCTTTAGGAGAAACTGAAGAAGATGATCAA[G>C]ACAGCTCTCACAGCAGTGTCACTACTGTTAAGGCCAGATCCAGGGATTCTGATGAATCTG-3'
Protein context (NP_056417.2, residues 216-236): EEGETEEDDQ[Asp226His]SSHSSVTTVK

ClinVar aggregate classification (germline): Uncertain significance (1 of 4 stars; one submission).

Conditions:
Autosomal recessive limb-girdle muscular dystrophy type 2Y (MRRSDC). Also called: Muscular dystrophy, limb-girdle, type 2y; Muscular dystrophy, autosomal recessive, with rigid spine and distal joint contractures. Identifiers: Orphanet 424261, MedGen C4511482, MONDO:0014900, OMIM 617072.

gnomAD v4.1: 1 of 1,611,166 alleles (0.000062%); highest among the groups gnomAD compares: Admixed American, 0.0017%; no homozygotes.

Submission:

Labcorp Genetics (formerly Invitae), Labcorp
Classification: Uncertain significance for Autosomal recessive limb-girdle muscular dystrophy type 2Y. Last evaluated: 2022-08-09. Review status: criteria provided, single submitter. Criteria: Invitae Variant Classification Sherloc (09022015). Collection method: clinical testing. Allele origin: germline.
Comment: This sequence change replaces aspartic acid, which is acidic and polar, with histidine, which is basic and polar, at codon 227 of the TOR1AIP1 protein (p.Asp227His). This variant is not present in population databases (gnomAD no frequency). In summary, the available evidence is currently insufficient to determine the role of this variant in disease. Therefore, it has been classified as a Variant of Uncertain Significance. Algorithms developed to predict the effect of missense changes on protein structure and function are either unavailable or do not agree on the potential impact of this missense change (SIFT: "Tolerated"; PolyPhen-2: "Probably Damaging"; Align-GVGD: "Class C0"). ClinVar contains an entry for this variant (Variation ID: 1493367). This variant has not been reported in the literature in individuals affected with TOR1AIP1-related conditions.